The following is an entry in ClinVar:

ClinVar aggregate classification (germline): Uncertain significance (1 of 4 stars; one submission).

Conditions:
Dyskeratosis congenita, autosomal dominant 2. Identifiers: MedGen C3151443, MONDO:0013521, OMIM 613989.
Idiopathic Pulmonary Fibrosis. Also called: Idiopathic fibrosing alveolitis, chronic form; idiopathic fibrosing alveolitis. Identifiers: Orphanet 2032, MedGen C1800706, MeSH D054990, MONDO:0800504.

Submission:

Labcorp Genetics (formerly Invitae), Labcorp
Classification: Uncertain significance for Dyskeratosis congenita, autosomal dominant 2; Idiopathic Pulmonary Fibrosis. Last evaluated: 2022-11-20. Review status: criteria provided, single submitter. Criteria: Invitae Variant Classification Sherloc (09022015). Collection method: clinical testing. Allele origin: germline.
Comment: This variant has not been reported in the literature in individuals affected with TERT-related conditions. Advanced modeling of protein sequence and biophysical properties (such as structural, functional, and spatial information, amino acid conservation, physicochemical variation, residue mobility, and thermodynamic stability) performed at Invitae indicates that this missense variant is expected to disrupt TERT protein function. In summary, the available evidence is currently insufficient to determine the role of this variant in disease. Therefore, it has been classified as a Variant of Uncertain Significance. This variant is not present in population databases (gnomAD no frequency). This sequence change replaces glycine, which is neutral and non-polar, with valine, which is neutral and non-polar, at codon 35 of the TERT protein (p.Gly35Val).

NM_198253.3(TERT):c.104G>T (p.Gly35Val)

Genes: TERT (telomerase reverse transcriptase; minus strand), LOC110806263 (TERT 5' regulatory region; plus strand). Cytogenetic location: 5p15.33.
Variant type: single nucleotide variant.
Coding change: c.104G>T on transcript NM_198253.3 (MANE Select); coding-DNA position 104, G replaced by T.
Protein change: p.Gly35Val; replaces glycine 35 with valine.
Molecular consequence: missense variant. On other transcripts: non-coding transcript variant (2).
Genome position (GRCh38, 1-based): chr5:1,294,886, C>A on the plus strand (G>T on the coding strand, the complement: TERT is on the minus strand). VCF-style: chr5-1294886-C-A. GRCh37 (hg19) VCF-style: chr5-1295001-C-A.
Other names: c.104G>T, p.Gly35Val (NM_001193376.3, NM_003219.1); short protein forms G35V.
Identifiers: ClinVar variation 2941680 (VCV002941680.3), dbSNP rs2126692114, ClinGen allele CA359059325.
Genomic context (GRCh38, chr5:1,294,886, plus strand): 5'-AGGCACTGGGCCACCAGCGCGCGGAAAGCCGCCGGGTCCCCGCGCTGCACCAGCCGCCAG[C>A]CCTGGGGCCCCAGGCGCCGCACGAACGTGGCCAGCGGCAGCACCTCGCGGTAGTGGCTGC-3'
Protein context (NP_937983.2, residues 25-45): ATFVRRLGPQ[Gly35Val]WRLVQRGDPA